The following is an entry in ClinVar:

ClinVar aggregate classification (germline): Uncertain significance (1 of 4 stars; one submission).

Allele frequency attached by ClinVar (database versions not stated): gnomAD 0.00001; gnomAD exomes 0.00001; TOPMed 0.00001; ExAC 0.00002.
gnomAD v4.1: 12 of 1,614,056 alleles (0.00074%); highest among the groups gnomAD compares: South Asian, 0.0099%; no homozygotes.

Submission:

Labcorp Genetics (formerly Invitae), Labcorp
Classification: Uncertain significance. Last evaluated: 2024-04-01. Review status: criteria provided, single submitter. Criteria: Invitae Variant Classification Sherloc (09022015). Collection method: clinical testing. Allele origin: germline.
Comment: This sequence change replaces arginine, which is basic and polar, with tryptophan, which is neutral and slightly polar, at codon 625 of the ANKZF1 protein (p.Arg625Trp). This variant is present in population databases (rs755882283, gnomAD 0.02%). This variant has not been reported in the literature in individuals affected with ANKZF1-related conditions. An algorithm developed to predict the effect of missense changes on protein structure and function (PolyPhen-2) suggests that this variant is likely to be disruptive. In summary, the available evidence is currently insufficient to determine the role of this variant in disease. Therefore, it has been classified as a Variant of Uncertain Significance.

NM_018089.3(ANKZF1):c.1873C>T (p.Arg625Trp)

Gene: ANKZF1 (ankyrin repeat and zinc finger peptidyl tRNA hydrolase 1; plus strand). Cytogenetic location: 2q35.
Variant type: single nucleotide variant.
Coding change: c.1873C>T on transcript NM_018089.3 (MANE Select); coding-DNA position 1873, C replaced by T.
Protein change: p.Arg625Trp; replaces arginine 625 with tryptophan.
Molecular consequence: missense variant.
Genome position (GRCh38, 1-based): chr2:219,235,777, C>T. VCF-style: chr2-219235777-C-T. GRCh37 (hg19) VCF-style: chr2-220100499-C-T.
Other names: c.1873C>T, p.Arg625Trp (NM_001042410.2); c.1243C>T, p.Arg415Trp (NM_001282792.2); short protein forms R415W, R625W.
Identifiers: ClinVar variation 2968819 (VCV002968819.3), dbSNP rs755882283, ClinGen allele CA2121210.